The following is an entry in ClinVar:

NM_000540.3(RYR1):c.1440+1G>A

Gene: RYR1 (ryanodine receptor 1; plus strand). Cytogenetic location: 19q13.2.
Variant type: single nucleotide variant.
Coding change: c.1440+1G>A on transcript NM_000540.3 (MANE Select); the canonical splice donor site of the intron after coding-DNA position 1440, G replaced by A.
Molecular consequence: splice donor variant.
Genome position (GRCh38, 1-based): chr19:38,453,015, G>A. VCF-style: chr19-38453015-G-A. GRCh37 (hg19) VCF-style: chr19-38943655-G-A.
Other names: c.1440+1G>A (NM_001042723.2).
Identifiers: ClinVar variation 580009 (VCV000580009.7), dbSNP rs1568445415, ClinGen allele CA405686935.

ClinVar aggregate classification (germline): Likely pathogenic (1 of 4 stars; one submission).

Conditions:
RYR1-related disorder. Also called: RYR1-related disorders; RYR1-related condition. Identifiers: MedGen CN239331.

Allele frequency attached by ClinVar (database versions not stated): gnomAD exomes below 0.00001.
gnomAD v4.1: 1 of 1,613,560 alleles (0.000062%); highest among the groups gnomAD compares: Non-Finnish European, 0.000085%; no homozygotes.

Submission:

Labcorp Genetics (formerly Invitae), Labcorp
Classification: Likely pathogenic for RYR1-related disorder. Last evaluated: 2024-05-09. Review status: criteria provided, single submitter. Criteria: Invitae Variant Classification Sherloc (09022015). Collection method: clinical testing. Allele origin: germline.
Comment: This sequence change affects a donor splice site in intron 13 of the RYR1 gene. It is expected to disrupt RNA splicing. Variants that disrupt the donor or acceptor splice site typically lead to a loss of protein function (PMID: 16199547), and loss-of-function variants in RYR1 are known to be pathogenic (PMID: 23919265, 25960145, 28818389, 30611313). This variant is not present in population databases (gnomAD no frequency). This variant has not been reported in the literature in individuals affected with RYR1-related conditions. ClinVar contains an entry for this variant (Variation ID: 580009). Algorithms developed to predict the effect of sequence changes on RNA splicing suggest that this variant may disrupt the consensus splice site. In summary, the currently available evidence indicates that the variant is pathogenic, but additional data are needed to prove that conclusively. Therefore, this variant has been classified as Likely Pathogenic.

Literature cited by the submitters: PubMed 16199547; PubMed 23919265; PubMed 25960145; PubMed 28818389; PubMed 30611313.